The following is an entry in ClinVar:

NM_015192.4(PLCB1):c.2523+3G>A

Gene: PLCB1 (phospholipase C beta 1; plus strand). Cytogenetic location: 20p12.3.
Variant type: single nucleotide variant.
Coding change: c.2523+3G>A on transcript NM_015192.4 (MANE Select); 3 bases into the intron after coding-DNA position 2523, G replaced by A.
Molecular consequence: intron variant.
Genome position (GRCh38, 1-based): chr20:8,741,576, G>A. VCF-style: chr20-8741576-G-A. GRCh37 (hg19) VCF-style: chr20-8722223-G-A.
Other names: c.2523+3G>A (NM_182734.3).
Identifiers: ClinVar variation 1485169 (VCV001485169.3), dbSNP rs2123521598, ClinGen allele CA2573156984.

ClinVar aggregate classification (germline): Uncertain significance (1 of 4 stars; one submission).

Conditions:
Developmental and epileptic encephalopathy, 12 (DEE12). Identifiers: MedGen C3150988, MONDO:0013389, OMIM 613722.

Submission:

Labcorp Genetics (formerly Invitae), Labcorp
Classification: Uncertain significance for Developmental and epileptic encephalopathy, 12. Last evaluated: 2020-11-11. Review status: criteria provided, single submitter. Criteria: Invitae Variant Classification Sherloc (09022015). Collection method: clinical testing. Allele origin: germline.
Comment: This sequence change falls in intron 23 of the PLCB1 gene. It does not directly change the encoded amino acid sequence of the PLCB1 protein. It affects a nucleotide within the consensus splice site of the intron. This variant is not present in population databases (ExAC no frequency). This variant has not been reported in the literature in individuals with PLCB1-related conditions. Nucleotide substitutions within the consensus splice site are a relatively common cause of aberrant splicing (PMID: 17576681, 9536098). Algorithms developed to predict the effect of sequence changes on RNA splicing suggest that this variant is not likely to affect RNA splicing, but this prediction has not been confirmed by published transcriptional studies. In summary, the available evidence is currently insufficient to determine the role of this variant in disease. Therefore, it has been classified as a Variant of Uncertain Significance.

Literature cited by the submitters: PubMed 17576681; PubMed 9536098.